The following is an entry in ClinVar:

NM_006662.3(SRCAP):c.9044C>T (p.Pro3015Leu)

Gene: SRCAP (Snf2 related CREBBP activator protein; plus strand). Cytogenetic location: 16p11.2.
Variant type: single nucleotide variant.
Coding change: c.9044C>T on transcript NM_006662.3 (MANE Select); coding-DNA position 9044, C replaced by T.
Protein change: p.Pro3015Leu; replaces proline 3015 with leucine.
Molecular consequence: missense variant.
Genome position (GRCh38, 1-based): chr16:30,739,084, C>T. VCF-style: chr16-30739084-C-T. GRCh37 (hg19) VCF-style: chr16-30750405-C-T.
Other names: short protein forms P3015L.
Identifiers: ClinVar variation 635038 (VCV000635038.1), dbSNP rs1567254950, ClinGen allele CA395642556.

ClinVar aggregate classification (germline): Uncertain significance (1 of 4 stars; one submission).

Conditions:
Floating-Harbor syndrome (FLHS). Also called: Short stature with delayed bone age, expressive language delay, a triangular face with a prominent nose and deep-set eyes; Pelletier-Leisti syndrome; SRCAP-Related Floating-Harbor Syndrome. Identifiers: Orphanet 2044, MedGen C0729582, MONDO:0007621, OMIM 136140.

Submission:

Broad Center for Mendelian Genomics, Broad Institute of MIT and Harvard
Classification: Uncertain significance for Floating-Harbor syndrome. Last evaluated: 2018-06-15. Review status: criteria provided, single submitter. Criteria: ACMG Guidelines, 2015. Collection method: research. Allele origin: germline. Inheritance: Autosomal recessive inheritance. Affected: yes. Clinical features observed: Abnormality of brain morphology.
Comment: The homozygous p.Pro3015Leu variant was identified by our study in two siblings with Floating-Harbor syndrome. This variant was absent from large population studies. The Proline (Pro) at position 3015 is highly conserved in mammals and evolutionarily distant species, raising the possibility that a change at this position may not be tolerated. Computational prediction tools do not provide strong support for or against an impact to the protein. In summary, the clinical significance of this variant is uncertain.